The following is an entry in ClinVar:

ClinVar aggregate classification (germline): Uncertain significance (1 of 4 stars; one submission).

Allele frequency attached by ClinVar (database versions not stated): gnomAD exomes below 0.00001.
gnomAD v4.1: 3 of 1,614,176 alleles (0.00019%); highest among the groups gnomAD compares: Admixed American, 0.0017%; no homozygotes.

Submission:

Labcorp Genetics (formerly Invitae), Labcorp
Classification: Uncertain significance. Last evaluated: 2025-05-01. Review status: criteria provided, single submitter. Criteria: Invitae Variant Classification Sherloc (09022015). Collection method: clinical testing. Allele origin: germline.
Comment: This sequence change replaces serine, which is neutral and polar, with phenylalanine, which is neutral and non-polar, at codon 1975 of the NBAS protein (p.Ser1975Phe). This variant is not present in population databases (gnomAD no frequency). This variant has not been reported in the literature in individuals affected with NBAS-related conditions. ClinVar contains an entry for this variant (Variation ID: 1948486). Invitae Evidence Modeling of protein sequence and biophysical properties (such as structural, functional, and spatial information, amino acid conservation, physicochemical variation, residue mobility, and thermodynamic stability) indicates that this missense variant is not expected to disrupt NBAS protein function with a negative predictive value of 95%. In summary, the available evidence is currently insufficient to determine the role of this variant in disease. Therefore, it has been classified as a Variant of Uncertain Significance.

NM_015909.4(NBAS):c.5924C>T (p.Ser1975Phe)

Gene: NBAS (NBAS subunit of NRZ tethering complex; minus strand). Cytogenetic location: 2p24.3.
Variant type: single nucleotide variant.
Coding change: c.5924C>T on transcript NM_015909.4 (MANE Select); coding-DNA position 5924, C replaced by T.
Protein change: p.Ser1975Phe; replaces serine 1975 with phenylalanine.
Molecular consequence: missense variant. On other transcripts: non-coding transcript variant (1).
Genome position (GRCh38, 1-based): chr2:15,238,487, G>A on the plus strand (C>T on the coding strand, the complement: NBAS is on the minus strand). VCF-style: chr2-15238487-G-A. GRCh37 (hg19) VCF-style: chr2-15378611-G-A.
Other names: short protein forms S1975F.
Identifiers: ClinVar variation 1948486 (VCV001948486.3), dbSNP rs2528287872, ClinGen allele CA345890704.